The following is an entry in ClinVar:

ClinVar aggregate classification (germline): Conflicting classifications of pathogenicity. Review status: criteria provided, conflicting classifications (1 of 4 stars). 2 submissions from 2 submitters: Uncertain significance (1); Likely benign (1). Last evaluated 2026-07-22.

Conditions:
Inborn genetic diseases. Identifiers: MedGen C0950123, MeSH D030342.

Submissions (2):

Ambry Genetics
Classification: Likely benign for Inborn genetic diseases. Last evaluated: 2026-07-22. Review status: criteria provided, single submitter. Criteria: Ambry Variant Classification Scheme 2023. Collection method: clinical testing. Allele origin: germline.

Labcorp Genetics (formerly Invitae), Labcorp
Classification: Uncertain significance. Last evaluated: 2024-11-26. Review status: criteria provided, single submitter. Criteria: Invitae Variant Classification Sherloc (09022015). Collection method: clinical testing. Allele origin: germline.
Comment: This sequence change replaces glycine, which is neutral and non-polar, with arginine, which is basic and polar, at codon 294 of the MBD4 protein (p.Gly294Arg). This variant is present in population databases (rs781749055, gnomAD 0.006%). This variant has not been reported in the literature in individuals affected with MBD4-related conditions. An algorithm developed to predict the effect of missense changes on protein structure and function outputs the following: PolyPhen-2: "Benign". The arginine amino acid residue is found in multiple mammalian species, which suggests that this missense change does not adversely affect protein function. In summary, the available evidence is currently insufficient to determine the role of this variant in disease. Therefore, it has been classified as a Variant of Uncertain Significance.

NM_001276270.2(MBD4):c.880G>A (p.Gly294Arg)

Gene: MBD4 (methyl-CpG binding domain 4, DNA glycosylase; minus strand). Cytogenetic location: 3q21.3.
Variant type: single nucleotide variant.
Coding change: c.880G>A on transcript NM_001276270.2 (MANE Select); coding-DNA position 880, G replaced by A.
Protein change: p.Gly294Arg; replaces glycine 294 with arginine.
Molecular consequence: missense variant. On other transcripts: intron variant (1).
Genome position (GRCh38, 1-based): chr3:129,436,764, C>T on the plus strand (G>A on the coding strand, the complement: MBD4 is on the minus strand). VCF-style: chr3-129436764-C-T. GRCh37 (hg19) VCF-style: chr3-129155607-C-T.
Other names: c.880G>A, p.Gly294Arg (NM_001276271.2, NM_001276272.2, NM_003925.3); c.247+1044G>A (NM_001276273.2); short protein forms G294R.
Identifiers: ClinVar variation 3632062 (VCV003632062.3).